The following is an entry in ClinVar:

ClinVar aggregate classification (germline): Uncertain significance (1 of 4 stars; one submission).

Conditions:
Epileptic encephalopathy. Identifiers: MedGen C0543888, HP:0200134.

Submission:

Labcorp Genetics (formerly Invitae), Labcorp
Classification: Uncertain significance for Epileptic encephalopathy. Last evaluated: 2025-11-25. Review status: criteria provided, single submitter. Criteria: Invitae Variant Classification Sherloc (09022015). Collection method: clinical testing. Allele origin: germline.
Comment: This sequence change replaces arginine, which is basic and polar, with leucine, which is neutral and non-polar, at codon 1423 of the FASN protein (p.Arg1423Leu). This variant is not present in population databases (gnomAD no frequency). This variant has not been reported in the literature in individuals affected with FASN-related conditions. An algorithm developed to predict the effect of missense changes on protein structure and function (PolyPhen-2) suggests that this variant is likely to be tolerated. In summary, the available evidence is currently insufficient to determine the role of this variant in disease. Therefore, it has been classified as a Variant of Uncertain Significance.

NM_004104.5(FASN):c.4268G>T (p.Arg1423Leu)

Gene: FASN (fatty acid synthase; minus strand). Cytogenetic location: 17q25.3.
Variant type: single nucleotide variant.
Coding change: c.4268G>T on transcript NM_004104.5 (MANE Select); coding-DNA position 4268, G replaced by T.
Protein change: p.Arg1423Leu; replaces arginine 1423 with leucine.
Molecular consequence: missense variant.
Genome position (GRCh38, 1-based): chr17:82,085,257, C>A on the plus strand (G>T on the coding strand, the complement: FASN is on the minus strand). VCF-style: chr17-82085257-C-A. GRCh37 (hg19) VCF-style: chr17-80043133-C-A.
Other names: short protein forms R1423L.
Identifiers: ClinVar variation 4774476 (VCV004774476.1).